The following is an entry in ClinVar:

ClinVar aggregate classification (germline): Uncertain significance. Review status: criteria provided, multiple submitters, no conflicts (2 of 4 stars). 2 submissions from 2 submitters: Uncertain significance (2). Last evaluated 2025-02-26.

Conditions:
Inborn genetic diseases. Identifiers: MedGen C0950123, MeSH D030342.

Submissions (2):

Ambry Genetics
Classification: Uncertain significance for Inborn genetic diseases. Last evaluated: 2025-02-26. Review status: criteria provided, single submitter. Criteria: Ambry Variant Classification Scheme 2023. Collection method: clinical testing. Allele origin: germline.
Comment: The p.Y409H variant (also known as c.1225T>C), located in coding exon 1 of the SAMD9 gene, results from a T to C substitution at nucleotide position 1225. The tyrosine at codon 409 is replaced by histidine, an amino acid with similar properties. This amino acid position is conserved. In addition, this alteration is predicted to be tolerated by in silico analysis. Based on the available evidence, the clinical significance of this variant remains unclear.

Labcorp Genetics (formerly Invitae), Labcorp
Classification: Uncertain significance. Last evaluated: 2024-10-21. Review status: criteria provided, single submitter. Criteria: Invitae Variant Classification Sherloc (09022015). Collection method: clinical testing. Allele origin: germline.
Comment: This sequence change replaces tyrosine, which is neutral and polar, with histidine, which is basic and polar, at codon 409 of the SAMD9 protein (p.Tyr409His). This variant is not present in population databases (gnomAD no frequency). This variant has not been reported in the literature in individuals affected with SAMD9-related conditions. Invitae Evidence Modeling of protein sequence and biophysical properties (such as structural, functional, and spatial information, amino acid conservation, physicochemical variation, residue mobility, and thermodynamic stability) indicates that this missense variant is not expected to disrupt SAMD9 protein function with a negative predictive value of 95%. In summary, the available evidence is currently insufficient to determine the role of this variant in disease. Therefore, it has been classified as a Variant of Uncertain Significance.

NM_017654.4(SAMD9):c.1225T>C (p.Tyr409His)

Gene: SAMD9 (sterile alpha motif domain containing 9; minus strand). Cytogenetic location: 7q21.2.
Variant type: single nucleotide variant.
Coding change: c.1225T>C on transcript NM_017654.4 (MANE Select); coding-DNA position 1225, T replaced by C.
Protein change: p.Tyr409His; replaces tyrosine 409 with histidine.
Molecular consequence: missense variant.
Genome position (GRCh38, 1-based): chr7:93,104,873, A>G on the plus strand (T>C on the coding strand, the complement: SAMD9 is on the minus strand). VCF-style: chr7-93104873-A-G. GRCh37 (hg19) VCF-style: chr7-92734186-A-G.
Other names: c.1225T>C (NM_017654.3); c.1225T>C, p.Tyr409His (NM_001193307.2); short protein forms Y409H.
Identifiers: ClinVar variation 3626277 (VCV003626277.3).